The following is an entry in ClinVar:

ClinVar aggregate classification (germline): Uncertain significance. Review status: criteria provided, multiple submitters, no conflicts (2 of 4 stars). 2 submissions from 2 submitters: Uncertain significance (2). Last evaluated 2025-09-10.

Conditions:
Myofibrillar myopathy 5. Also called: Filaminopathy (type); FILAMINOPATHY, AUTOSOMAL DOMINANT. Identifiers: Orphanet 171445, MedGen C1836050, MONDO:0012289, OMIM 609524.
Distal myopathy with posterior leg and anterior hand involvement. Also called: WILLIAMS DISTAL MYOPATHY. Identifiers: Orphanet 63273, MedGen C3279722, MONDO:0013550, OMIM 614065.
Hypertrophic cardiomyopathy 26. Also called: Cardiomyopathy, familial hypertrophic, 26. Identifiers: Orphanet 75249, MedGen C4310749, MONDO:0014883, OMIM 617047.
Cardiovascular phenotype. Identifiers: MedGen CN230736.

Submissions (2):

Labcorp Genetics (formerly Invitae), Labcorp
Classification: Uncertain significance for Distal myopathy with posterior leg and anterior hand involvement; Myofibrillar myopathy 5; Hypertrophic cardiomyopathy 26. Last evaluated: 2025-09-10. Review status: criteria provided, single submitter. Criteria: Invitae Variant Classification Sherloc (09022015). Collection method: clinical testing. Allele origin: germline.
Comment: This sequence change replaces asparagine, which is neutral and polar, with threonine, which is neutral and polar, at codon 1286 of the FLNC protein (p.Asn1286Thr). This variant is not present in population databases (gnomAD no frequency). This variant has not been reported in the literature in individuals affected with FLNC-related conditions. ClinVar contains an entry for this variant (Variation ID: 2486540). Invitae Evidence Modeling of protein sequence and biophysical properties (such as structural, functional, and spatial information, amino acid conservation, physicochemical variation, residue mobility, and thermodynamic stability) has been performed for this missense variant. However, the output from this modeling did not meet the statistical confidence thresholds required to predict the impact of this variant on FLNC protein function. In summary, the available evidence is currently insufficient to determine the role of this variant in disease. Therefore, it has been classified as a Variant of Uncertain Significance.

Ambry Genetics
Classification: Uncertain significance for Cardiovascular phenotype. Last evaluated: 2023-02-16. Review status: criteria provided, single submitter. Criteria: Ambry Variant Classification Scheme 2023. Collection method: clinical testing. Allele origin: germline.

NM_001458.5(FLNC):c.3857A>C (p.Asn1286Thr)

Gene: FLNC (filamin C; plus strand). Cytogenetic location: 7q32.1.
Variant type: single nucleotide variant.
Coding change: c.3857A>C on transcript NM_001458.5 (MANE Select); coding-DNA position 3857, A replaced by C.
Protein change: p.Asn1286Thr; replaces asparagine 1286 with threonine.
Molecular consequence: missense variant.
Genome position (GRCh38, 1-based): chr7:128,846,056, A>C. VCF-style: chr7-128846056-A-C. GRCh37 (hg19) VCF-style: chr7-128486110-A-C.
Other names: c.3857A>C, p.Asn1286Thr (NM_001127487.2); short protein forms N1286T.
Identifiers: ClinVar variation 2486540 (VCV002486540.3), dbSNP rs1808550709, ClinGen allele CA369198565.